The following is an entry in ClinVar:

ClinVar aggregate classification (germline): Uncertain significance (1 of 4 stars; one submission).

Conditions:
Houge-Janssens syndrome 1. Also called: Intellectual disability-macrocephaly-hypotonia-behavioral abnormalities syndrome; PPP2R5D-Related Neurodevelopmental Disorder; INTELLECTUAL DEVELOPMENTAL DISORDER, AUTOSOMAL DOMINANT 35; Hogue-Janssens syndrome 1. Identifiers: Orphanet 457279, MedGen C5779996, MONDO:0014602, OMIM 616355.

Submission:

Victorian Clinical Genetics Services, Murdoch Childrens Research Institute
Classification: Uncertain significance for Houge-Janssens syndrome 1. Last evaluated: 2023-07-17. Review status: criteria provided, single submitter. Criteria: ACMG Guidelines, 2015. Collection method: clinical testing. Allele origin: germline. Inheritance: Autosomal dominant inheritance. Affected: yes.
Comment: Based on the classification scheme VCGS_Germline_v1.3.4, this variant is classified as VUS-3A. Following criteria are met: 0105 - The mechanism of disease for this gene is not clearly established. While loss of function was demonstrated, the possibility of dominant negative has not been excluded and is also a proposed mechanism (PMID: 32074998, 26168268). (I) 0107 - This gene is associated with autosomal dominant disease. (I) 0211 - Canonical splice site variant without proven consequence on splicing (no functional evidence available). (SP) 0251 - This variant is heterozygous. (I) 0301 - Variant is absent from gnomAD (both v2 and v3). (SP) 0505 - Abnormal splicing is predicted by in silico tools and affected nucleotide is highly conserved. (SP) 0705 - No comparable splice site variants have previous evidence for pathogenicity. (I) 0807 - This variant has no previous evidence of pathogenicity. (I) 0905 - No published segregation evidence has been identified for this variant. (I) 1007 - No published functional evidence has been identified for this variant. (SP) Legend: (SP) - Supporting pathogenic, (I) - Information, (SB) - Supporting benign

Literature cited by the submitters: PubMed 26168268; PubMed 32074998.

NM_006245.4(PPP2R5D):c.1481+1G>A

Gene: PPP2R5D (protein phosphatase 2 regulatory subunit B'delta; plus strand). Cytogenetic location: 6p21.1.
Variant type: single nucleotide variant.
Coding change: c.1481+1G>A on transcript NM_006245.4 (MANE Select); the canonical splice donor site of the intron after coding-DNA position 1481, G replaced by A.
Molecular consequence: splice donor variant.
Genome position (GRCh38, 1-based): chr6:43,010,570, G>A. VCF-style: chr6-43010570-G-A. GRCh37 (hg19) VCF-style: chr6-42978308-G-A.
Other names: c.1028+1G>A (NM_001270476.2); c.1385+1G>A (NM_180976.3); c.1163+1G>A (NM_180977.3).
Identifiers: ClinVar variation 3254871 (VCV003254871.1), dbSNP rs2532490033.